The following is an entry in ClinVar:

ClinVar aggregate classification (germline): Benign. Review status: criteria provided, multiple submitters, no conflicts (2 of 4 stars). 2 submissions from 2 submitters: Benign (2). Last evaluated 2017-11-07.

Allele frequency attached by ClinVar (database versions not stated): gnomAD exomes 0.00055 and 0.00139; ExAC 0.00177; ESP Exome Variant Server 0.00454; gnomAD 0.00575 and 0.00533; 1000 Genomes Project 0.00619; 1000 Genomes Project 30x 0.00640; TOPMed 0.00633.
gnomAD v4.1: 1,641 of 1,611,684 alleles (0.1%); highest among the groups gnomAD compares: African/African-American, 1.9%; 14 homozygotes.

Submissions (2):

GeneDx
Classification: Benign. Last evaluated: 2017-11-07. Review status: criteria provided, single submitter. Criteria: GeneDx Variant Classification (06012015). Collection method: clinical testing. Allele origin: germline. Affected: yes.
Comment: This variant is considered likely benign or benign based on one or more of the following criteria: it is a conservative change, it occurs at a poorly conserved position in the protein, it is predicted to be benign by multiple in silico algorithms, and/or has population frequency not consistent with disease.

Breakthrough Genomics
Classification: Benign. Review status: criteria provided, single submitter. Criteria: ACMG Guidelines, 2015. Collection method: not provided. Allele origin: germline. Inheritance: Autosomal recessive inheritance. Affected: yes.

NM_003494.4(DYSF):c.-34G>T

Gene: DYSF (dysferlin; plus strand). Cytogenetic location: 2p13.2.
Variant type: single nucleotide variant.
Coding change: c.-34G>T on transcript NM_003494.4 (MANE Plus Clinical); 34 bases upstream of the start codon, G replaced by T.
Molecular consequence: 5 prime UTR variant.
Genome position (GRCh38, 1-based): chr2:71,453,965, G>T. VCF-style: chr2-71453965-G-T. GRCh37 (hg19) VCF-style: chr2-71681095-G-T.
Other names: c.-34G>T (NM_001130976.2, NM_001130977.2, NM_001130978.2 and 3 more transcripts).
Identifiers: ClinVar variation 509018 (VCV000509018.4), dbSNP rs192358316, ClinGen allele CA1705164.